The following is an entry in ClinVar:

NM_001184.4(ATR):c.2897A>G (p.His966Arg)

Gene: ATR (ATR checkpoint kinase; minus strand). Cytogenetic location: 3q23.
Variant type: single nucleotide variant.
Coding change: c.2897A>G on transcript NM_001184.4 (MANE Select); coding-DNA position 2897, A replaced by G.
Protein change: p.His966Arg; replaces histidine 966 with arginine.
Molecular consequence: missense variant.
Genome position (GRCh38, 1-based): chr3:142,550,211, T>C on the plus strand (A>G on the coding strand, the complement: ATR is on the minus strand). VCF-style: chr3-142550211-T-C. GRCh37 (hg19) VCF-style: chr3-142269053-T-C.
Other names: c.2705A>G, p.His902Arg (NM_001354579.2); short protein forms H902R, H966R.
Identifiers: ClinVar variation 3221105 (VCV003221105.2), dbSNP rs2473366935, ClinGen allele CA354812797.
Genomic context (GRCh38, chr3:142,550,211, plus strand): 5'-TCAGGAAAGTCGAAAACGTTGGCAATTTCAGACAACGTATTTAAAGCCATTTCTCTCTGG[T>C]GAGCCACATCTTGTTTTCGCACGTCAGCATTCTGGCATGGAGTATTCGGAAGTGCTGTCA-3'
Protein context (NP_001175.2, residues 956-976): NADVRKQDVA[His966Arg]QREMALNTLS

ClinVar aggregate classification (germline): Uncertain significance. Review status: criteria provided, multiple submitters, no conflicts (2 of 4 stars). 2 submissions from 2 submitters: Uncertain significance (2). Last evaluated 2024-03-15.

Conditions:
Inborn genetic diseases. Identifiers: MedGen C0950123, MeSH D030342.

Submissions (2):

Blueprint Genetics
Classification: Uncertain significance. Last evaluated: 2024-03-15. Review status: criteria provided, single submitter. Criteria: ACMG Guidelines, 2015. Collection method: clinical testing. Allele origin: germline.

Ambry Genetics
Classification: Uncertain significance for Inborn genetic diseases. Last evaluated: 2024-02-04. Review status: criteria provided, single submitter. Criteria: Ambry Variant Classification Scheme 2023. Collection method: clinical testing. Allele origin: germline.
Comment: The p.H966R variant (also known as c.2897A>G), located in coding exon 14 of the ATR gene, results from an A to G substitution at nucleotide position 2897. The histidine at codon 966 is replaced by arginine, an amino acid with highly similar properties. This amino acid position is conserved. In addition, this alteration is predicted to be tolerated by in silico analysis. Based on the available evidence, the clinical significance of this alteration remains unclear.